The following is an entry in ClinVar:

NM_006204.4(PDE6C):c.372G>T (p.Glu124Asp)

Gene: PDE6C (phosphodiesterase 6C; plus strand). Cytogenetic location: 10q23.33.
Variant type: single nucleotide variant.
Coding change: c.372G>T on transcript NM_006204.4 (MANE Select); coding-DNA position 372, G replaced by T.
Protein change: p.Glu124Asp; replaces glutamic acid 124 with aspartic acid.
Molecular consequence: missense variant.
Genome position (GRCh38, 1-based): chr10:93,613,097, G>T. VCF-style: chr10-93613097-G-T. GRCh37 (hg19) VCF-style: chr10-95372854-G-T.
Other names: short protein forms E124D.
Identifiers: ClinVar variation 1042670 (VCV001042670.8), dbSNP rs147367341, ClinGen allele CA5609822.

ClinVar aggregate classification (germline): Uncertain significance. Review status: criteria provided, multiple submitters, no conflicts (2 of 4 stars). 2 submissions from 2 submitters: Uncertain significance (2). Last evaluated 2024-06-20.

Allele frequency attached by ClinVar (database versions not stated): ExAC 0.00007; ESP Exome Variant Server 0.00008; gnomAD exomes 0.00009 and 0.00017; TOPMed 0.00010.
gnomAD v4.1: 258 of 1,614,202 alleles (0.016%); highest among the groups gnomAD compares: Non-Finnish European, 0.021%; no homozygotes.

Submissions (2):

Blueprint Genetics
Classification: Uncertain significance. Last evaluated: 2024-06-20. Review status: criteria provided, single submitter. Criteria: ACMG Guidelines, 2015. Collection method: clinical testing. Allele origin: germline.

Labcorp Genetics (formerly Invitae), Labcorp
Classification: Uncertain significance. Last evaluated: 2022-09-27. Review status: criteria provided, single submitter. Criteria: Invitae Variant Classification Sherloc (09022015). Collection method: clinical testing. Allele origin: germline.
Comment: This sequence change replaces glutamic acid, which is acidic and polar, with aspartic acid, which is acidic and polar, at codon 124 of the PDE6C protein (p.Glu124Asp). This variant is present in population databases (rs147367341, gnomAD 0.02%). This variant has not been reported in the literature in individuals affected with PDE6C-related conditions. ClinVar contains an entry for this variant (Variation ID: 1042670). Advanced modeling of protein sequence and biophysical properties (such as structural, functional, and spatial information, amino acid conservation, physicochemical variation, residue mobility, and thermodynamic stability) performed at Invitae indicates that this missense variant is not expected to disrupt PDE6C protein function. In summary, the available evidence is currently insufficient to determine the role of this variant in disease. Therefore, it has been classified as a Variant of Uncertain Significance.